The following is an entry in ClinVar:

NM_032119.4(ADGRV1):c.12865A>G (p.Ile4289Val)

Gene: ADGRV1 (adhesion G protein-coupled receptor V1; plus strand). Cytogenetic location: 5q14.3.
Variant type: single nucleotide variant.
Coding change: c.12865A>G on transcript NM_032119.4 (MANE Select); coding-DNA position 12865, A replaced by G.
Protein change: p.Ile4289Val; replaces isoleucine 4289 with valine.
Molecular consequence: missense variant. On other transcripts: non-coding transcript variant (1).
Genome position (GRCh38, 1-based): chr5:90,778,880, A>G. VCF-style: chr5-90778880-A-G. GRCh37 (hg19) VCF-style: chr5-90074697-A-G.
Other names: short protein forms I4289V.
Identifiers: ClinVar variation 2053100 (VCV002053100.4), dbSNP rs2531873340, ClinGen allele CA360388927.

ClinVar aggregate classification (germline): Uncertain significance (1 of 4 stars; one submission).

Submission:

Labcorp Genetics (formerly Invitae), Labcorp
Classification: Uncertain significance. Last evaluated: 2022-08-09. Review status: criteria provided, single submitter. Criteria: Invitae Variant Classification Sherloc (09022015). Collection method: clinical testing. Allele origin: germline.
Comment: This variant has not been reported in the literature in individuals affected with ADGRV1-related conditions. Algorithms developed to predict the effect of missense changes on protein structure and function output the following: SIFT: "Tolerated"; PolyPhen-2: "Benign"; Align-GVGD: "Class C0". The valine amino acid residue is found in multiple mammalian species, which suggests that this missense change does not adversely affect protein function. In summary, the available evidence is currently insufficient to determine the role of this variant in disease. Therefore, it has been classified as a Variant of Uncertain Significance. This sequence change replaces isoleucine, which is neutral and non-polar, with valine, which is neutral and non-polar, at codon 4289 of the ADGRV1 protein (p.Ile4289Val). This variant is not present in population databases (gnomAD no frequency).